The following is an entry in ClinVar:

NM_001040108.2(MLH3):c.1125T>C (p.Asp375=)

Gene: MLH3 (mutL homolog 3; minus strand). Cytogenetic location: 14q24.3.
Variant type: single nucleotide variant.
Coding change: c.1125T>C on transcript NM_001040108.2 (MANE Select); coding-DNA position 1125, T replaced by C.
Protein change: p.Asp375=; no amino-acid change (aspartic acid 375 retained).
Molecular consequence: synonymous variant.
Genome position (GRCh38, 1-based): chr14:75,048,531, A>G on the plus strand (T>C on the coding strand, the complement: MLH3 is on the minus strand). VCF-style: chr14-75048531-A-G. GRCh37 (hg19) VCF-style: chr14-75515234-A-G.
Other names: c.1125T>C, p.Asp375= (NM_014381.3).
Identifiers: ClinVar variation 886324 (VCV000886324.10), dbSNP rs781394261, ClinGen allele CA7275921.
Genomic context (GRCh38, chr14:75,048,531, plus strand): 5'-ATTACATGCTTCCTGGAAATTGCTCCTCTCATCGGAAGTCACACGCTTCTGAAGAGTAGC[A>G]TCAAATAAACTAAAACCATTATCTTCACTAAATTCCTTAATATCCTCACCTGATAATTCC-3'
Protein context (NP_001035197.1, residues 365-385): FSEDNGFSLF[Asp375=]ATLQKRVTSD

ClinVar aggregate classification (germline): Conflicting classifications of pathogenicity. Review status: criteria provided, conflicting classifications (1 of 4 stars). 4 submissions from 4 submitters: Uncertain significance (1); Benign (1); Likely benign (2). Last evaluated 2026-04-29.

Conditions:
Colorectal cancer, hereditary nonpolyposis, type 7. Identifiers: Orphanet 144, MedGen C1858380, MONDO:0013725, OMIM 614385.

Allele frequency attached by ClinVar (database versions not stated): gnomAD 0.00001; gnomAD exomes 0.00001; ExAC 0.00001; TOPMed 0.00002.

Submissions (4):

Myriad Genetics, Inc.
Classification: Benign for Colorectal cancer, hereditary nonpolyposis, type 7. Last evaluated: 2026-04-29. Review status: criteria provided, single submitter. Criteria: Myriad Autosomal Dominant, Autosomal Recessive and X-Linked Classification Criteria (2023). Collection method: clinical testing. Allele origin: unknown.
Comment: This variant is considered benign. This variant is a silent/synonymous amino acid change and it is not expected to impact splicing.

Labcorp Genetics (formerly Invitae), Labcorp
Classification: Likely benign for Colorectal cancer, hereditary nonpolyposis, type 7. Last evaluated: 2023-10-30. Review status: criteria provided, single submitter. Criteria: Invitae Variant Classification Sherloc (09022015). Collection method: clinical testing. Allele origin: germline.

Ambry Genetics
Classification: Likely benign. Last evaluated: 2019-08-30. Review status: criteria provided, single submitter. Criteria: Ambry Variant Classification Scheme 2023. Collection method: clinical testing. Allele origin: germline.

Illumina Laboratory Services, Illumina
Classification: Uncertain significance for Colorectal cancer, hereditary nonpolyposis, type 7. Last evaluated: 2018-01-12. Review status: criteria provided, single submitter. Criteria: ICSL Variant Classification Criteria 13 December 2019. Collection method: clinical testing. Allele origin: germline.